The following is an entry in ClinVar:

NM_015046.7(SETX):c.7763A>G (p.Gln2588Arg)

Gene: SETX (senataxin; minus strand). Cytogenetic location: 9q34.13.
Variant type: single nucleotide variant.
Coding change: c.7763A>G on transcript NM_015046.7 (MANE Select); coding-DNA position 7763, A replaced by G.
Protein change: p.Gln2588Arg; replaces glutamine 2588 with arginine.
Molecular consequence: missense variant.
Genome position (GRCh38, 1-based): chr9:132,264,510, T>C on the plus strand (A>G on the coding strand, the complement: SETX is on the minus strand). VCF-style: chr9-132264510-T-C. GRCh37 (hg19) VCF-style: chr9-135139897-T-C.
Other names: c.7763A>G, p.Gln2588Arg (NM_001351527.2); c.7850A>G, p.Gln2617Arg (NM_001351528.2); short protein forms Q2588R, Q2617R.
Identifiers: ClinVar variation 2016448 (VCV002016448.4), dbSNP rs2538819686, ClinGen allele CA375322991.

ClinVar aggregate classification (germline): Uncertain significance (1 of 4 stars; one submission).

Conditions:
Amyotrophic lateral sclerosis type 4 (ALS4). Also called: AMYOTROPHIC LATERAL SCLEROSIS 4, JUVENILE; NEURONOPATHY, DISTAL HEREDITARY MOTOR, WITH PYRAMIDAL FEATURES. Identifiers: Orphanet 357043, MedGen C1865409, MONDO:0011223, OMIM 602433.
Spinocerebellar ataxia, autosomal recessive, with axonal neuropathy 2 (SCAN2). Also called: ATAXIA-OCULOMOTOR APRAXIA 2; Ataxia with Oculomotor Apraxia Type 2; Ataxia-ocular apraxia-2; Ataxia with Oculomotor Apraxia. Identifiers: Orphanet 64753, MedGen C1853761, MONDO:0018996, OMIM 606002.

Allele frequency attached by ClinVar (database versions not stated): gnomAD exomes below 0.00001.
gnomAD v4.1: 1 of 1,613,930 alleles (0.000062%); highest among the groups gnomAD compares: Non-Finnish European, 0.000085%; no homozygotes.

Submission:

Labcorp Genetics (formerly Invitae), Labcorp
Classification: Uncertain significance for Amyotrophic lateral sclerosis type 4; Spinocerebellar ataxia, autosomal recessive, with axonal neuropathy 2. Last evaluated: 2022-07-13. Review status: criteria provided, single submitter. Criteria: Invitae Variant Classification Sherloc (09022015). Collection method: clinical testing. Allele origin: germline.
Comment: This variant is not present in population databases (gnomAD no frequency). This variant has not been reported in the literature in individuals affected with SETX-related conditions. Advanced modeling of protein sequence and biophysical properties (such as structural, functional, and spatial information, amino acid conservation, physicochemical variation, residue mobility, and thermodynamic stability) performed at Invitae indicates that this missense variant is not expected to disrupt SETX protein function. In summary, the available evidence is currently insufficient to determine the role of this variant in disease. Therefore, it has been classified as a Variant of Uncertain Significance. This sequence change replaces glutamine, which is neutral and polar, with arginine, which is basic and polar, at codon 2588 of the SETX protein (p.Gln2588Arg).